The following is an entry in ClinVar:

ClinVar aggregate classification (germline): Likely pathogenic (1 of 4 stars; one submission).

Conditions:
Gaucher disease. Also called: Acute cerebral Gaucher disease; Cerebroside lipidosis syndrome; Gaucher splenomegaly; Sphingolipidosis 1; Glucocerebrosidosis; Glucosylceramidase deficiency. Identifiers: Orphanet 355, MedGen C0017205, MONDO:0018150.

Submission:

Natera, Inc.
Classification: Likely pathogenic for Gaucher disease. Last evaluated: 2024-11-27. Review status: criteria provided, single submitter. Criteria: Natera Variant Classification Schema (03/2026). Collection method: clinical testing. Allele origin: germline.
Comment: The c.1109del variant in GBA1 is a frameshift variant predicted to shift the reading frame beginning at codon 370 and leads to a stop codon 24 codons downstream. This variant is expected to result in nonsense mediated decay, truncation, or a dysfunctional protein product. This variant is rare in the general population with a frequency below the threshold expected for the associated phenotype(s). Given the available evidence, this variant is classified as Likely Pathogenic.

NM_000157.4(GBA1):c.1109del (p.Phe370fs)

Genes: GBA1 (glucosylceramidase beta 1; minus strand), LOC106627981 (GBA recombination region; plus strand). Cytogenetic location: 1q22.
Variant type: Deletion.
Coding change: c.1109del on transcript NM_000157.4 (MANE Select); coding-DNA position 1109, one base deleted (T; older notation c.1109delT).
Protein change: p.Phe370fs; shifts the reading frame from phenylalanine 370.
Molecular consequence: frameshift variant.
Genome position (GRCh38, 1-based): chr1:155,236,360, A deleted on the plus strand (T on the coding strand, the reverse complement: GBA1 is on the minus strand); the first of 2 consecutive A bases (chr1:155,236,360-155,236,361); deleting either gives the same sequence. VCF-style (leftmost placement, unchanged base first): chr1-155236359-GA-G. GRCh37 (hg19) VCF-style: chr1-155206150-GA-G.
Other names: c.1109del, p.Phe370fs (NM_001005741.3, NM_001005742.3); c.848del, p.Phe283fs (NM_001171811.2); c.962del, p.Phe321fs (NM_001171812.2); short protein forms F283fs, F321fs, F370fs.
Identifiers: ClinVar variation 4817671 (VCV004817671.1).
Genomic context (GRCh38, chr1:155,236,359, plus strand): 5'-ACTCTGCTCCCAGAACTTGGAGCCCACACAGGCCTCTGAGGCAAAGAGCATGGTGTTGGG[GA>G]ACAGGCGGTGTGTCTCCCCTAGGGTGGCTTTGGCTGGAGCCAGAAAGTCCAGGTACCAAT-3'